The following is an entry in ClinVar:

NM_005559.4(LAMA1):c.6562C>T (p.Arg2188Cys)

Gene: LAMA1 (laminin subunit alpha 1; minus strand). Cytogenetic location: 18p11.31.
Variant type: single nucleotide variant.
Coding change: c.6562C>T on transcript NM_005559.4 (MANE Select); coding-DNA position 6562, C replaced by T.
Protein change: p.Arg2188Cys; replaces arginine 2188 with cysteine.
Molecular consequence: missense variant.
Genome position (GRCh38, 1-based): chr18:6,974,964, G>A on the plus strand (C>T on the coding strand, the complement: LAMA1 is on the minus strand). VCF-style: chr18-6974964-G-A. GRCh37 (hg19) VCF-style: chr18-6974963-G-A.
Other names: short protein forms R2188C.
Identifiers: ClinVar variation 1312820 (VCV001312820.7), dbSNP rs202184749, ClinGen allele CA8881185.

ClinVar aggregate classification (germline): Uncertain significance. Review status: criteria provided, multiple submitters, no conflicts (2 of 4 stars). 4 submissions from 4 submitters: Uncertain significance (4). Last evaluated 2025-04-08.

Conditions:
Inborn genetic diseases. Identifiers: MedGen C0950123, MeSH D030342.

Allele frequency attached by ClinVar (database versions not stated): gnomAD 0.00003 and 0.00004; TOPMed 0.00003; ExAC 0.00004; gnomAD exomes 0.00004; 1000 Genomes Project 30x 0.00031; 1000 Genomes Project 0.00040.
gnomAD v4.1: 68 of 1,614,022 alleles (0.0042%); highest among the groups gnomAD compares: Admixed American, 0.017%; no homozygotes.

Submissions (4):

GeneDx
Classification: Uncertain significance. Last evaluated: 2025-04-08. Review status: criteria provided, single submitter. Criteria: GeneDx Variant Classification Process June 2021. Collection method: clinical testing. Allele origin: germline. Affected: yes.
Comment: In silico analysis supports that this missense variant has a deleterious effect on protein structure/function; Has not been previously published as pathogenic or benign to our knowledge

Ambry Genetics
Classification: Uncertain significance for Inborn genetic diseases. Last evaluated: 2023-12-06. Review status: criteria provided, single submitter. Criteria: Ambry Variant Classification Scheme 2023. Collection method: clinical testing. Allele origin: germline.

Blueprint Genetics
Classification: Uncertain significance. Last evaluated: 2023-06-02. Review status: criteria provided, single submitter. Criteria: ACMG Guidelines, 2015. Collection method: clinical testing. Allele origin: germline.

Labcorp Genetics (formerly Invitae), Labcorp
Classification: Uncertain significance. Last evaluated: 2022-01-13. Review status: criteria provided, single submitter. Criteria: Invitae Variant Classification Sherloc (09022015). Collection method: clinical testing. Allele origin: germline.
Comment: This sequence change replaces arginine, which is basic and polar, with cysteine, which is neutral and slightly polar, at codon 2188 of the LAMA1 protein (p.Arg2188Cys). This variant is present in population databases (rs202184749, gnomAD 0.02%). This variant has not been reported in the literature in individuals affected with LAMA1-related conditions. ClinVar contains an entry for this variant (Variation ID: 1312820). Algorithms developed to predict the effect of missense changes on protein structure and function are either unavailable or do not agree on the potential impact of this missense change (SIFT: "Deleterious"; PolyPhen-2: "Probably Damaging"; Align-GVGD: "Class C0"). In summary, the available evidence is currently insufficient to determine the role of this variant in disease. Therefore, it has been classified as a Variant of Uncertain Significance.